The following is an entry in ClinVar:

NM_020884.7(MYH7B):c.1538_1539insG (p.Phe513fs)

Gene: MYH7B (myosin heavy chain 7B; plus strand). Cytogenetic location: 20q11.22.
Variant type: Insertion.
Coding change: c.1538_1539insG on transcript NM_020884.7 (MANE Select); coding-DNA positions 1538 to 1539, G inserted.
Protein change: p.Phe513fs; shifts the reading frame from phenylalanine 513.
Molecular consequence: frameshift variant.
Genome position: GRCh38 VCF-style: chr20-34988213-T-TG. GRCh37 (hg19) VCF-style: chr20-33576016-T-TG.
Other names: short protein forms F513fs.
Identifiers: ClinVar variation 1513566 (VCV001513566.5), dbSNP rs747129777, ClinGen allele CA9826972.

ClinVar aggregate classification (germline): Uncertain significance (1 of 4 stars; one submission).

Allele frequency attached by ClinVar (database versions not stated): gnomAD exomes 0.00001 and 0.00003; TOPMed 0.00001; ExAC 0.00004.

Submission:

Labcorp Genetics (formerly Invitae), Labcorp
Classification: Uncertain significance. Last evaluated: 2024-12-04. Review status: criteria provided, single submitter. Criteria: Invitae Variant Classification Sherloc (09022015). Collection method: clinical testing. Allele origin: germline.
Comment: This sequence change creates a premature translational stop signal (p.Phe555Leufs*7) in the MYH7B gene. It is expected to result in an absent or disrupted protein product. However, the current clinical and genetic evidence is not sufficient to establish whether loss-of-function variants in MYH7B cause disease. This variant is present in population databases (rs747129777, gnomAD 0.02%). This variant has not been reported in the literature in individuals affected with MYH7B-related conditions. ClinVar contains an entry for this variant (Variation ID: 1513566). In summary, the available evidence is currently insufficient to determine the role of this variant in disease. Therefore, it has been classified as a Variant of Uncertain Significance.